The following is an entry in ClinVar:

NM_001364905.1(LRBA):c.6046+1890A>T

Gene: LRBA (LPS responsive beige-like anchor protein; minus strand). Cytogenetic location: 4q31.3.
Variant type: single nucleotide variant.
Coding change: c.6046+1890A>T on transcript NM_001364905.1 (MANE Select); 1890 bases into the intron after coding-DNA position 6046, A replaced by T.
Molecular consequence: intron variant. On other transcripts: splice acceptor variant (2).
Genome position (GRCh38, 1-based): chr4:150,597,117, T>A on the plus strand (A>T on the coding strand, the complement: LRBA is on the minus strand). VCF-style: chr4-150597117-T-A. GRCh37 (hg19) VCF-style: chr4-151518269-T-A.
Other names: c.6046+1890A>T (NM_001367550.1, NM_001199282.3, NM_001440431.1); c.6047-2A>T (NM_006726.5, NM_001440430.1).
Identifiers: ClinVar variation 3640657 (VCV003640657.2).
Genomic context (GRCh38, chr4:150,597,117, plus strand): 5'-ACTATAAAATATTACTCAATGCTTACCTTTGCTGTTCTCTCTCAATTTAAAAATGCACAC[T>A]AAAACATAGATAATTAACATTGGATTAACCTTTCAATTACTATCGAGAGTAATCAGAGTG-3'

ClinVar aggregate classification (germline): Likely pathogenic (1 of 4 stars; one submission).

Conditions:
Combined immunodeficiency due to LRBA deficiency. Also called: Common variable immunodeficiency 8, with autoimmunity. Identifiers: Orphanet 445018, MedGen C3553512, MONDO:0013863, OMIM 614700.

Submission:

Labcorp Genetics (formerly Invitae), Labcorp
Classification: Likely pathogenic for Combined immunodeficiency due to LRBA deficiency. Last evaluated: 2024-02-17. Review status: criteria provided, single submitter. Criteria: Invitae Variant Classification Sherloc (09022015). Collection method: clinical testing. Allele origin: germline.
Comment: This sequence change affects an acceptor splice site in intron 38 of the LRBA gene. It is expected to disrupt RNA splicing. Variants that disrupt the donor or acceptor splice site typically lead to a loss of protein function (PMID: 16199547), and loss-of-function variants in LRBA are known to be pathogenic (PMID: 26206937, 26768763). This variant is not present in population databases (gnomAD no frequency). This variant has not been reported in the literature in individuals affected with LRBA-related conditions. Algorithms developed to predict the effect of sequence changes on RNA splicing suggest that this variant may disrupt the consensus splice site. In summary, the currently available evidence indicates that the variant is pathogenic, but additional data are needed to prove that conclusively. Therefore, this variant has been classified as Likely Pathogenic.

Literature cited by the submitters: PubMed 16199547; PubMed 26206937; PubMed 26768763.